The following is an entry in ClinVar:

NM_003998.4(NFKB1):c.160A>G (p.Arg54Gly)

Gene: NFKB1 (nuclear factor kappa B subunit 1; plus strand). Cytogenetic location: 4q24.
Variant type: single nucleotide variant.
Coding change: c.160A>G on transcript NM_003998.4 (MANE Select); coding-DNA position 160, A replaced by G.
Protein change: p.Arg54Gly; replaces arginine 54 with glycine.
Molecular consequence: missense variant.
Genome position (GRCh38, 1-based): chr4:102,537,858, A>G. VCF-style: chr4-102537858-A-G. GRCh37 (hg19) VCF-style: chr4-103459015-A-G.
Other names: c.157A>G, p.Arg53Gly (NM_001165412.2, NM_001319226.2, NM_001382627.1); c.160A>G, p.Arg54Gly (NM_001382625.1, NM_001382626.1); c.118A>G, p.Arg40Gly (NM_001382628.1); short protein forms R40G, R53G, R54G.
Identifiers: ClinVar variation 3645193 (VCV003645193.2).
Genomic context (GRCh38, chr4:102,537,858, plus strand): 5'-TTGCCGTAATTTTTAATAAGTATTTCTCAAACTTAATTGGCTTAACGTTCACCTTTGCAG[A>G]GAGGATTTCGTTTCCGTTATGTATGTGAAGGCCCATCCCATGGTGGACTACCTGGTGCCT-3'
Protein context (NP_003989.2, residues 44-64): YLQILEQPKQ[Arg54Gly]GFRFRYVCEG

ClinVar aggregate classification (germline): Uncertain significance (1 of 4 stars; one submission).

Submission:

Labcorp Genetics (formerly Invitae), Labcorp
Classification: Uncertain significance. Last evaluated: 2024-03-09. Review status: criteria provided, single submitter. Criteria: Invitae Variant Classification Sherloc (09022015). Collection method: clinical testing. Allele origin: germline.
Comment: This sequence change replaces arginine, which is basic and polar, with glycine, which is neutral and non-polar, at codon 54 of the NFKB1 protein (p.Arg54Gly). This variant is not present in population databases (gnomAD no frequency). This variant has not been reported in the literature in individuals affected with NFKB1-related conditions. An algorithm developed to predict the effect of missense changes on protein structure and function (PolyPhen-2) suggests that this variant is likely to be disruptive. In summary, the available evidence is currently insufficient to determine the role of this variant in disease. Therefore, it has been classified as a Variant of Uncertain Significance.